The following is an entry in ClinVar:

NM_004522.3(KIF5C):c.1043A>C (p.Lys348Thr)

Gene: KIF5C (kinesin family member 5C; plus strand). Cytogenetic location: 2q23.1.
Variant type: single nucleotide variant.
Coding change: c.1043A>C on transcript NM_004522.3 (MANE Select); coding-DNA position 1043, A replaced by C.
Protein change: p.Lys348Thr; replaces lysine 348 with threonine.
Molecular consequence: missense variant. On other transcripts: non-coding transcript variant (1).
Genome position (GRCh38, 1-based): chr2:148,962,045, A>C. VCF-style: chr2-148962045-A-C. GRCh37 (hg19) VCF-style: chr2-149818559-A-C.
Other names: short protein forms K348T.
Identifiers: ClinVar variation 4082689 (VCV004082689.1).
Genomic context (GRCh38, chr2:148,962,045, plus strand): 5'-AGAATACAGTCTCTGTGAACCTAGAACTGACAGCAGAAGAATGGAAGAAGAAATATGAAA[A>C]AGAGAAAGAGAAAAACAAGACTTTGAAGAATGTTATCCAGCATCTGGAGATGGAGCTAAA-3'
Protein context (NP_004513.1, residues 338-358): TAEEWKKKYE[Lys348Thr]EKEKNKTLKN

ClinVar aggregate classification (germline): Uncertain significance (1 of 4 stars; one submission).

Submission:

GeneDx
Classification: Uncertain significance. Last evaluated: 2025-03-10. Review status: criteria provided, single submitter. Criteria: GeneDx Variant Classification Process June 2021. Collection method: clinical testing. Allele origin: germline. Affected: yes.
Comment: Not observed at significant frequency in large population cohorts (gnomAD); In silico analysis supports that this missense variant has a deleterious effect on protein structure/function; Has not been previously published as pathogenic or benign to our knowledge